The following is an entry in ClinVar:

NM_006922.4(SCN3A):c.1859G>A (p.Arg620Gln)

Gene: SCN3A (sodium voltage-gated channel alpha subunit 3; minus strand). Cytogenetic location: 2q24.3.
Variant type: single nucleotide variant.
Coding change: c.1859G>A on transcript NM_006922.4 (MANE Select); coding-DNA position 1859, G replaced by A.
Protein change: p.Arg620Gln; replaces arginine 620 with glutamine.
Molecular consequence: missense variant.
Genome position (GRCh38, 1-based): chr2:165,140,811, C>T on the plus strand (G>A on the coding strand, the complement: SCN3A is on the minus strand). VCF-style: chr2-165140811-C-T. GRCh37 (hg19) VCF-style: chr2-165997321-C-T.
Other names: c.1859G>A, p.Arg620Gln (NM_001081676.2, NM_001081677.2); short protein forms R620Q.
Identifiers: ClinVar variation 1304186 (VCV001304186.3), dbSNP rs369720053, ClinGen allele CA349046506.

ClinVar aggregate classification (germline): Likely pathogenic (1 of 4 stars; one submission).

Allele frequency attached by ClinVar (database versions not stated): gnomAD 0.00001.
gnomAD v4.1: 8 of 1,614,008 alleles (0.0005%); highest among the groups gnomAD compares: Non-Finnish European, 0.00068%; no homozygotes.

Submission:

GeneDx
Classification: Likely pathogenic. Last evaluated: 2025-05-23. Review status: criteria provided, single submitter. Criteria: GeneDx Variant Classification Process June 2021. Collection method: clinical testing. Allele origin: germline. Affected: yes.
Comment: Not observed at significant frequency in large population cohorts (gnomAD); In silico analysis supports that this missense variant has a deleterious effect on protein structure/function; Has not been previously published as pathogenic or benign to our knowledge